The following is an entry in ClinVar:

ClinVar aggregate classification (germline): Benign (1 of 4 stars; one submission).

Conditions:
Cohen syndrome (COH1). Also called: PEPPER SYNDROME; Cutis verticis gyrata, retinitis pigmentosa, and sensorineural deafness. Identifiers: Orphanet 193, MedGen C0265223, MONDO:0008999, OMIM 216550.

Submission:

Centre for Mendelian Genomics, University Medical Centre Ljubljana
Classification: Benign for Cohen syndrome. Last evaluated: 2018-10-31. Review status: criteria provided, single submitter. Criteria: ACMG Guidelines, 2015. Collection method: clinical testing. Allele origin: unknown. Affected: yes.
Comment: This variant was classified as: Benign. The following ACMG criteria were applied in classifying this variant: BS1,BS2,A.

NM_152564.5(VPS13B):c.9331_9332insTTTTTTTTTT (p.Tyr3111fs)

Gene: VPS13B (vacuolar protein sorting 13 homolog B; plus strand). Cytogenetic location: 8q22.2.
Variant type: Insertion.
Coding change: c.9331_9332insTTTTTTTTTT on transcript NM_152564.5 (MANE Select); coding-DNA positions 9331 to 9332, TTTTTTTTTT inserted.
Protein change: p.Tyr3111fs; shifts the reading frame from tyrosine 3111.
Molecular consequence: frameshift variant.
Genome position: GRCh38 VCF-style: chr8-99832368-G-GTTTTTTTTTT. GRCh37 (hg19) VCF-style: chr8-100844596-G-GTTTTTTTTTT.
Other names: c.9406_9407insTTTTTTTTTT, p.Tyr3136fs (NM_017890.5); short protein forms Y3111fs, Y3136fs.
Identifiers: ClinVar variation 930262 (VCV000930262.3), dbSNP rs757435621, ClinGen allele CA1117121583.